The following is an entry in ClinVar:

ClinVar aggregate classification (germline): Uncertain significance (1 of 4 stars; one submission).

Conditions:
Tuberous sclerosis 2 (TSC2). Identifiers: Orphanet 805, MedGen C1860707, MONDO:0013199, OMIM 613254.

Submission:

Labcorp Genetics (formerly Invitae), Labcorp
Classification: Uncertain significance for Tuberous sclerosis 2. Last evaluated: 2023-04-09. Review status: criteria provided, single submitter. Criteria: Invitae Variant Classification Sherloc (09022015). Collection method: clinical testing. Allele origin: germline.
Comment: This sequence change replaces glutamic acid, which is acidic and polar, with valine, which is neutral and non-polar, at codon 1435 of the TSC2 protein (p.Glu1435Val). This variant is not present in population databases (gnomAD no frequency). In summary, the available evidence is currently insufficient to determine the role of this variant in disease. Therefore, it has been classified as a Variant of Uncertain Significance. This variant has not been reported in the literature in individuals affected with TSC2-related conditions. Advanced modeling of protein sequence and biophysical properties (such as structural, functional, and spatial information, amino acid conservation, physicochemical variation, residue mobility, and thermodynamic stability) performed at Invitae indicates that this missense variant is not expected to disrupt TSC2 protein function.

NM_000548.5(TSC2):c.4304A>T (p.Glu1435Val)

Gene: TSC2 (TSC complex subunit 2; plus strand). Cytogenetic location: 16p13.3.
Variant type: single nucleotide variant.
Coding change: c.4304A>T on transcript NM_000548.5 (MANE Select); coding-DNA position 4304, A replaced by T.
Protein change: p.Glu1435Val; replaces glutamic acid 1435 with valine.
Molecular consequence: missense variant. On other transcripts: non-coding transcript variant (5).
Genome position (GRCh38, 1-based): chr16:2,084,526, A>T. VCF-style: chr16-2084526-A-T. GRCh37 (hg19) VCF-style: chr16-2134527-A-T.
Other names: c.4103A>T, p.Glu1368Val (NM_001077183.3); c.4235A>T, p.Glu1412Val (NM_001114382.3); c.3995A>T, p.Glu1332Val (NM_001318827.2); c.3959A>T, p.Glu1320Val (NM_001318829.2); c.3572A>T, p.Glu1191Val (NM_001318831.2); c.4136A>T, p.Glu1379Val (NM_001318832.2); c.4106A>T, p.Glu1369Val (NM_001363528.2); c.4172A>T, p.Glu1391Val (NM_001370404.1); and 26 more; short protein forms E1168V, E1191V, E1319V, E1349V, E1362V, E1435V, E920V, E1211V.
Identifiers: ClinVar variation 2854081 (VCV002854081.3), dbSNP rs2151531797, ClinGen allele CA394301194.